The following is an entry in ClinVar:

ClinVar aggregate classification (germline): Pathogenic/Likely pathogenic. Review status: criteria provided, multiple submitters, no conflicts (2 of 4 stars). 2 submissions from 2 submitters: Pathogenic (1); Likely pathogenic (1). Last evaluated 2025-10-06.

Conditions:
KBG syndrome (KBGS). Also called: ANKRD11-Related KBG Syndrome. Identifiers: Orphanet 2332, MedGen C0220687, MONDO:0007846, OMIM 148050.

Submissions (2):

Dasa
Classification: Likely pathogenic for KBG syndrome. Last evaluated: 2025-10-06. Review status: criteria provided, single submitter. Criteria: DASA Assertion Criteria. Collection method: clinical testing. Allele origin: germline.
Comment: NM_013275.6(ANKRD11):c.4176C>G (p.Tyr1392*) is a nonsense variant in ANKRD11 predicted to introduce a premature termination codon and is predicted to result in an absent or altered protein product. Loss of function is an established disease mechanism for ANKRD11 (PMID: 21782149; PMID: 35330407; PMID: 28422132). Also, this variant is absent from population databases. Based on the currently available evidence, this variant is classified as likely pathogenic.

GeneDx
Classification: Pathogenic. Last evaluated: 2025-07-02. Review status: criteria provided, single submitter. Criteria: GeneDx Variant Classification Process June 2021. Collection method: clinical testing. Allele origin: germline. Affected: yes.
Comment: Nonsense variant predicted to result in protein truncation or nonsense mediated decay in a gene for which loss of function is a known mechanism of disease; Not observed at significant frequency in large population cohorts (gnomAD); Has not been previously published as pathogenic or benign to our knowledge

Literature cited by the submitters: PubMed 21782149 (cited by Dasa); PubMed 35330407 (cited by Dasa); PubMed 28422132 (cited by Dasa).

NM_013275.6(ANKRD11):c.4176C>G (p.Tyr1392Ter)

Gene: ANKRD11 (ankyrin repeat domain 11; minus strand). Cytogenetic location: 16q24.3.
Variant type: single nucleotide variant.
Coding change: c.4176C>G on transcript NM_013275.6 (MANE Select); coding-DNA position 4176, C replaced by G.
Protein change: p.Tyr1392Ter; replaces tyrosine 1392 with a stop codon.
Molecular consequence: nonsense.
Genome position (GRCh38, 1-based): chr16:89,282,366, G>C on the plus strand (C>G on the coding strand, the complement: ANKRD11 is on the minus strand). VCF-style: chr16-89282366-G-C. GRCh37 (hg19) VCF-style: chr16-89348774-G-C.
Other names: c.4176C>G, p.Tyr1392Ter (NM_001256182.2, NM_001256183.2); short protein forms Y1392*.
Identifiers: ClinVar variation 2504201 (VCV002504201.4), dbSNP rs1352639242, ClinGen allele CA397158143.